The following is an entry in ClinVar:

NM_001393769.1(MED12L):c.5575G>A (p.Gly1859Ser)

Gene: MED12L (mediator complex subunit 12L; plus strand). Cytogenetic location: 3q25.1.
Variant type: single nucleotide variant.
Coding change: c.5575G>A on transcript NM_001393769.1 (MANE Select); coding-DNA position 5575, G replaced by A.
Protein change: p.Gly1859Ser; replaces glycine 1859 with serine.
Molecular consequence: missense variant.
Genome position (GRCh38, 1-based): chr3:151,390,102, G>A. VCF-style: chr3-151390102-G-A. GRCh37 (hg19) VCF-style: chr3-151107890-G-A.
Other names: c.5470G>A, p.Gly1824Ser (NM_053002.6); short protein forms G1824S, G1859S.
Identifiers: ClinVar variation 1800655 (VCV001800655.1), dbSNP rs1233484146, ClinGen allele CA354978222.

ClinVar aggregate classification (germline): Uncertain significance (1 of 4 stars; one submission).

Allele frequency attached by ClinVar (database versions not stated): gnomAD exomes 0.00001; TOPMed 0.00001.
gnomAD v4.1: 8 of 1,614,070 alleles (0.0005%); highest among the groups gnomAD compares: Admixed American, 0.0017%; no homozygotes.

Submission:

GeneDx
Classification: Uncertain significance. Last evaluated: 2022-05-19. Review status: criteria provided, single submitter. Criteria: GeneDx Variant Classification Process June 2021. Collection method: clinical testing. Allele origin: germline. Affected: yes.
Comment: In silico analysis supports that this missense variant does not alter protein structure/function; Has not been previously published as pathogenic or benign to our knowledge